The following is an entry in ClinVar:

NM_138713.4(NFAT5):c.2907G>C (p.Gln969His)

Gene: NFAT5 (nuclear factor of activated T cells 5; plus strand). Cytogenetic location: 16q22.1.
Variant type: single nucleotide variant.
Coding change: c.2907G>C on transcript NM_138713.4 (MANE Select); coding-DNA position 2907, G replaced by C.
Protein change: p.Gln969His; replaces glutamine 969 with histidine.
Molecular consequence: missense variant.
Genome position (GRCh38, 1-based): chr16:69,692,732, G>C. VCF-style: chr16-69692732-G-C. GRCh37 (hg19) VCF-style: chr16-69726635-G-C.
Other names: c.2907G>C, p.Gln969His (LRG_1332t1); c.2904G>C, p.Gln968His (NM_001113178.3); c.2232G>C, p.Gln744His (NM_001367709.1); c.2853G>C, p.Gln951His (NM_006599.4); c.2625G>C, p.Gln875His (NM_138714.4, NM_173214.3, NM_173215.3); short protein forms Q875H, Q968H, Q969H, Q951H, Q744H.
Identifiers: ClinVar variation 665305 (VCV000665305.6), dbSNP rs760690970, ClinGen allele CA8135820.

ClinVar aggregate classification (germline): Uncertain significance (1 of 4 stars; one submission).

Conditions:
Immunodeficiency. Identifiers: MedGen C0021051, MONDO:0021094, HP:0002721.

Allele frequency attached by ClinVar (database versions not stated): ExAC 0.00004; gnomAD 0.00004; gnomAD exomes 0.00004; TOPMed 0.00006.

Submission:

Labcorp Genetics (formerly Invitae), Labcorp
Classification: Uncertain significance for Immunodeficiency. Last evaluated: 2025-07-04. Review status: criteria provided, single submitter. Criteria: Invitae Variant Classification Sherloc (09022015). Collection method: clinical testing. Allele origin: germline.
Comment: This sequence change replaces glutamine, which is neutral and polar, with histidine, which is basic and polar, at codon 875 of the NFAT5 protein (p.Gln875His). This variant is present in population databases (rs760690970, gnomAD 0.007%). This variant has not been reported in the literature in individuals affected with NFAT5-related conditions. ClinVar contains an entry for this variant (Variation ID: 665305). An algorithm developed to predict the effect of missense changes on protein structure and function (PolyPhen-2) suggests that this variant is likely to be disruptive. In summary, the available evidence is currently insufficient to determine the role of this variant in disease. Therefore, it has been classified as a Variant of Uncertain Significance.